The following is an entry in ClinVar:

ClinVar aggregate classification (germline): Uncertain significance (1 of 4 stars; one submission).

Conditions:
Hereditary cancer-predisposing syndrome. Also called: Tumor predisposition; Hereditary Cancer Syndrome; Neoplastic Syndromes, Hereditary; Hereditary neoplastic syndrome. Identifiers: Orphanet 140162, MedGen C0027672, MeSH D009386, MONDO:0015356.

Submission:

Color Diagnostics, LLC DBA Color Health
Classification: Uncertain significance for Hereditary cancer-predisposing syndrome. Last evaluated: 2025-10-28. Review status: criteria provided, single submitter. Criteria: ACMG Guidelines, 2015. Collection method: clinical testing. Allele origin: germline.
Comment: This missense variant replaces valine with leucine at codon 566 of the APC protein. Computational prediction suggests that this variant may have deleterious impact on protein structure and function. APC is defined as a gene for which primarily truncating variants are known to cause disease (ClinGen HCCP VCEP). To our knowledge, functional studies have not been reported for this variant. This variant has not been reported in individuals affected with APC-related disorders in the literature. This variant has not been identified in the general population by the Genome Aggregation Database (gnomAD). The available evidence is insufficient to determine the role of this variant in disease conclusively. Therefore, this variant is classified as a Variant of Uncertain Significance.

NM_000038.6(APC):c.1696G>C (p.Val566Leu)

Gene: APC (APC regulator of Wnt signaling pathway; plus strand). Cytogenetic location: 5q22.2.
Variant type: single nucleotide variant.
Coding change: c.1696G>C on transcript NM_000038.6 (MANE Select); coding-DNA position 1696, G replaced by C.
Protein change: p.Val566Leu; replaces valine 566 with leucine.
Molecular consequence: missense variant.
Genome position (GRCh38, 1-based): chr5:112,828,925, G>C. VCF-style: chr5-112828925-G-C. GRCh37 (hg19) VCF-style: chr5-112164622-G-C.
Other names: c.1696G>C, p.Val566Leu (NM_001127510.3, NM_001354895.2, NM_001407450.1); c.1642G>C, p.Val548Leu (NM_001127511.3); c.1750G>C, p.Val584Leu (NM_001354896.2, NM_001407447.1, NM_001407448.1 and 1 more transcripts); c.1726G>C, p.Val576Leu (NM_001354897.2); c.1621G>C, p.Val541Leu (NM_001354898.2); c.1612G>C, p.Val538Leu (NM_001354899.2); c.1573G>C, p.Val525Leu (NM_001354900.2); c.1519G>C, p.Val507Leu (NM_001354901.2, NM_001407453.1); and 11 more; short protein forms V182L, V283L, V406L, V437L, V440L, V465L, V475L, V483L.
Identifiers: ClinVar variation 4758206 (VCV004758206.1).